The following is an entry in ClinVar:

ClinVar aggregate classification (germline): Uncertain significance (1 of 4 stars; one submission).

Submission:

Greenwood Genetic Center Diagnostic Laboratories, Greenwood Genetic Center
Classification: Uncertain significance. Last evaluated: 2024-01-30. Review status: criteria provided, single submitter. Criteria: ACMG Guidelines, 2015. Collection method: clinical testing. Allele origin: germline. Affected: yes.
Comment: PM2, PP3

NM_134261.3(RORA):c.386G>C (p.Arg129Pro)

Genes: RORA (RAR related orphan receptor A; minus strand), RORA-AS1 (RORA antisense RNA 1; plus strand). Cytogenetic location: 15q22.2.
Variant type: single nucleotide variant.
Coding change: c.386G>C on transcript NM_134261.3 (MANE Select); coding-DNA position 386, G replaced by C.
Protein change: p.Arg129Pro; replaces arginine 129 with proline.
Molecular consequence: missense variant.
Genome position (GRCh38, 1-based): chr15:60,514,654, C>G on the plus strand (G>C on the coding strand, the complement: RORA is on the minus strand). VCF-style: chr15-60514654-C-G. GRCh37 (hg19) VCF-style: chr15-60806853-C-G.
Other names: c.461G>C, p.Arg154Pro (NM_002943.4); c.485G>C, p.Arg162Pro (NM_134260.3); c.221G>C, p.Arg74Pro (NM_134262.3); short protein forms R129P, R154P, R162P, R74P.
Identifiers: ClinVar variation 3235869 (VCV003235869.1), dbSNP rs1595889010, ClinGen allele CA392671606.